The following is an entry in ClinVar:

ClinVar aggregate classification (germline): Uncertain significance (1 of 4 stars; one submission).

Conditions:
Short-rib thoracic dysplasia 14 with polydactyly (SRTD14). Identifiers: Orphanet 397715, MedGen C4225286, MONDO:0014688, OMIM 616546.
Joubert syndrome 23 (JBTS23). Identifiers: Orphanet 475, MedGen C4084822, MONDO:0014664, OMIM 616490.

Allele frequency attached by ClinVar (database versions not stated): gnomAD exomes 0.00001; gnomAD 0.00002; TOPMed 0.00002.
gnomAD v4.1: 6 of 1,585,612 alleles (0.00038%); highest among the groups gnomAD compares: Admixed American, 0.0071%; no homozygotes.

Submission:

Labcorp Genetics (formerly Invitae), Labcorp
Classification: Uncertain significance for Joubert syndrome 23; Short-rib thoracic dysplasia 14 with polydactyly. Last evaluated: 2022-09-07. Review status: criteria provided, single submitter. Criteria: Invitae Variant Classification Sherloc (09022015). Collection method: clinical testing. Allele origin: germline.
Comment: In summary, the available evidence is currently insufficient to determine the role of this variant in disease. Therefore, it has been classified as a Variant of Uncertain Significance. Algorithms developed to predict the effect of missense changes on protein structure and function output the following: SIFT: "Tolerated"; PolyPhen-2: "Benign"; Align-GVGD: "Class C0". The threonine amino acid residue is found in multiple mammalian species, which suggests that this missense change does not adversely affect protein function. This variant has not been reported in the literature in individuals affected with KIAA0586-related conditions. The frequency data for this variant in the population databases is considered unreliable, as metrics indicate poor data quality at this position in the gnomAD database. This sequence change replaces isoleucine, which is neutral and non-polar, with threonine, which is neutral and polar, at codon 1015 of the KIAA0586 protein (p.Ile1015Thr).

NM_001329943.3(KIAA0586):c.2885T>C (p.Ile962Thr)

Gene: KIAA0586 (KIAA0586; plus strand). Cytogenetic location: 14q23.1.
Variant type: single nucleotide variant.
Coding change: c.2885T>C on transcript NM_001329943.3 (MANE Select); coding-DNA position 2885, T replaced by C.
Protein change: p.Ile962Thr; replaces isoleucine 962 with threonine.
Molecular consequence: missense variant.
Genome position (GRCh38, 1-based): chr14:58,477,182, T>C. VCF-style: chr14-58477182-T-C. GRCh37 (hg19) VCF-style: chr14-58943900-T-C.
Other names: c.3044T>C, p.Ile1015Thr (NM_001244189.2); c.2840T>C, p.Ile947Thr (NM_001244190.2); c.2630T>C, p.Ile877Thr (NM_001244191.2, NM_001329945.2, NM_001364700.1 and 1 more transcripts); c.2753T>C, p.Ile918Thr (NM_001244192.2); c.2465T>C, p.Ile822Thr (NM_001244193.2); c.2885T>C, p.Ile962Thr (NM_001329944.2, NM_001329946.2, NM_001329947.2); c.2657T>C, p.Ile886Thr (NM_014749.5); short protein forms I822T, I886T, I918T, I947T, I962T, I1015T, I877T.
Identifiers: ClinVar variation 2157760 (VCV002157760.2), dbSNP rs772996867, ClinGen allele CA7205994.